The following is an entry in ClinVar:

ClinVar aggregate classification (germline): Pathogenic (1 of 4 stars; one submission).

Submission:

Labcorp Genetics (formerly Invitae), Labcorp
Classification: Pathogenic. Last evaluated: 2023-01-26. Review status: criteria provided, single submitter. Criteria: Invitae Variant Classification Sherloc (09022015). Collection method: clinical testing. Allele origin: germline.
Comment: For these reasons, this variant has been classified as Pathogenic. This variant disrupts the C-terminus of the RP1 protein. Many variants that disrupt this region have been reported in individuals with either autosomal dominant or autosomal recessive retinitis pigmentosa (PMID: 11527933, 19933189, 29425069, 30027431, 33681214). Therefore, variants that disrupt this region are expected to be disease-causing. This variant has not been reported in the literature in individuals affected with RP1-related conditions. This variant is not present in population databases (gnomAD no frequency). This sequence change creates a premature translational stop signal (p.Lys852Argfs*4) in the RP1 gene. While this is not anticipated to result in nonsense mediated decay, it is expected to disrupt the last 1305 amino acid(s) of the RP1 protein.

Literature cited by the submitters: PubMed 11527933; PubMed 19933189; PubMed 29425069; PubMed 30027431; PubMed 33681214.

NM_006269.2(RP1):c.2555del (p.Lys852fs)

Gene: RP1 (RP1 axonemal microtubule associated; plus strand). Cytogenetic location: 8q12.1.
Variant type: Deletion.
Coding change: c.2555del on transcript NM_006269.2 (MANE Select); coding-DNA position 2555, one base deleted (A; older notation c.2555delA).
Protein change: p.Lys852fs; shifts the reading frame from lysine 852.
Molecular consequence: frameshift variant. On other transcripts: intron variant (1).
Genome position (GRCh38, 1-based): chr8:54,626,437, A deleted; the last of 3 consecutive A bases (chr8:54,626,435-54,626,437); deleting any one gives the same sequence. VCF-style (leftmost placement, unchanged base first): chr8-54626434-CA-C. GRCh37 (hg19) VCF-style: chr8-55538994-CA-C.
Other names: c.787+4149del (NM_001375654.1); short protein forms K852fs.
Identifiers: ClinVar variation 2016353 (VCV002016353.4), dbSNP rs2536575444, ClinGen allele CA2580078394.
Genomic context (GRCh38, chr8:54,626,434, plus strand): 5'-AAGATTTTTATGCACCGCAATCTCAAGCAGAAGTGGCATCTGGGTATTTGAGAGGAATGG[CA>C]AAGAAGAGTTTAGTTTCAAAAGTTACTGATTCACACATAACTTTAAAAAGCCAGAAAAAA-3'